The following is an entry in ClinVar:

NM_001458.5(FLNC):c.2263C>G (p.Arg755Gly)

Gene: FLNC (filamin C; plus strand). Cytogenetic location: 7q32.1.
Variant type: single nucleotide variant.
Coding change: c.2263C>G on transcript NM_001458.5 (MANE Select); coding-DNA position 2263, C replaced by G.
Protein change: p.Arg755Gly; replaces arginine 755 with glycine.
Molecular consequence: missense variant.
Genome position (GRCh38, 1-based): chr7:128,842,372, C>G. VCF-style: chr7-128842372-C-G. GRCh37 (hg19) VCF-style: chr7-128482426-C-G.
Other names: c.2263C>G, p.Arg755Gly (NM_001127487.2); short protein forms R755G.
Identifiers: ClinVar variation 3774059 (VCV003774059.1).
Genomic context (GRCh38, chr7:128,842,372, plus strand): 5'-CCCATTAAGCACACCATCATCATCTCCTGGGGAGGCGTAAACGTGCCCAAGAGCCCCTTC[C>G]GGGTGCGTCCTCCCGGCCTGCCCCGTGCCCACCACCAGGGGTCCCTGAGGGAGGGCGGAA-3'
Protein context (NP_001449.3, residues 745-765): GGVNVPKSPF[Arg755Gly]VNVGEGSHPE

ClinVar aggregate classification (germline): Uncertain significance (1 of 4 stars; one submission).

Submission:

GeneDx
Classification: Uncertain significance. Last evaluated: 2024-09-19. Review status: criteria provided, single submitter. Criteria: GeneDx Variant Classification Process June 2021. Collection method: clinical testing. Allele origin: germline. Affected: yes.
Comment: Not observed at significant frequency in large population cohorts (gnomAD); In silico analysis supports that this missense variant has a deleterious effect on protein structure/function; Has not been previously published as pathogenic or benign to our knowledge